The following is an entry in ClinVar:

NM_000264.5(PTCH1):c.2561-7T>C

Gene: PTCH1 (patched 1; minus strand). Cytogenetic location: 9q22.32.
Variant type: single nucleotide variant.
Coding change: c.2561-7T>C on transcript NM_000264.5 (MANE Select); 7 bases into the intron before coding-DNA position 2561, T replaced by C.
Molecular consequence: intron variant.
Genome position (GRCh38, 1-based): chr9:95,462,005, A>G on the plus strand (T>C on the coding strand, the complement: PTCH1 is on the minus strand). VCF-style: chr9-95462005-A-G. GRCh37 (hg19) VCF-style: chr9-98224287-A-G.
Other names: c.2558-7T>C (NM_001083603.3); c.2363-7T>C (NM_001083602.3); c.2405-7T>C (NM_001354918.2); c.2108-7T>C (NM_001083605.3, NM_001083604.3, NM_001083606.3 and 1 more transcripts).
Identifiers: ClinVar variation 415466 (VCV000415466.16), dbSNP rs112140654, ClinGen allele CA5138367.

ClinVar aggregate classification (germline): Benign/Likely benign. Review status: criteria provided, multiple submitters, no conflicts (2 of 4 stars). 4 submissions from 4 submitters: Benign (1); Likely benign (3). Last evaluated 2026-04-08.

Conditions:
Basal cell carcinoma, susceptibility to, 1. Also called: BCC1. Identifiers: MedGen C2751544, MONDO:0011556, OMIM 605462.
Gorlin syndrome. Also called: Nevoid Basal Cell Carcinoma Syndrome; Basal cell nevus syndrome. Identifiers: Orphanet 377, MedGen C0004779, MONDO:0007187.
PTCH1-related disorder. Also called: PTCH1-related disorders; PTCH1-related condition.

Allele frequency attached by ClinVar (database versions not stated): gnomAD exomes 0.00002; ExAC 0.00003; TOPMed 0.00009; gnomAD 0.00010 and 0.00011; ESP Exome Variant Server 0.00015; 1000 Genomes Project 30x 0.00016.
gnomAD v4.1: 53 of 1,614,226 alleles (0.0033%); highest among the groups gnomAD compares: African/African-American, 0.051%; no homozygotes.

Submissions (4):

PreventionGenetics, part of Exact Sciences
Classification: Likely benign for PTCH1-related condition. Last evaluated: 2026-04-08. Review status: criteria provided, single submitter. Criteria: ACMG Guidelines, 2015. Collection method: clinical testing. Allele origin: germline.
Comment: This variant is classified as likely benign based on ACMG/AMP sequence variant interpretation guidelines (Richards et al. 2015 PMID: 25741868, with internal and published modifications).

Labcorp Genetics (formerly Invitae), Labcorp
Classification: Benign for Gorlin syndrome. Last evaluated: 2026-01-26. Review status: criteria provided, single submitter. Criteria: Invitae Variant Classification Sherloc (09022015). Collection method: clinical testing. Allele origin: germline.

Dasa
Classification: Likely benign for Basal cell carcinoma, susceptibility to, 1. Last evaluated: 2025-12-23. Review status: criteria provided, single submitter. Criteria: DASA Assertion Criteria. Collection method: clinical testing. Allele origin: germline.
Comment: NM_000264.5(PTCH1):c.2561-7T>C is a splice-region variant. The variant context is inconsistent with a known disease-causing mechanism. Computational prediction algorithms are consistent with a benign effect. Therefore, based on the currently available evidence, this variant is classified as likely benign.

KCCC/NGS Laboratory, Kuwait Cancer Control Center
Classification: Likely benign for Basal cell nevus syndrome 1. Last evaluated: 2023-07-07. Review status: criteria provided, single submitter. Criteria: ACMG Guidelines, 2015. Collection method: clinical testing. Allele origin: germline. Affected: yes.